The following is an entry in ClinVar:

ClinVar aggregate classification (germline): Uncertain significance (1 of 4 stars; one submission).

Submission:

Labcorp Genetics (formerly Invitae), Labcorp
Classification: Uncertain significance. Last evaluated: 2025-11-12. Review status: criteria provided, single submitter. Criteria: Invitae Variant Classification Sherloc (09022015). Collection method: clinical testing. Allele origin: germline.
Comment: This sequence change replaces leucine, which is neutral and non-polar, with proline, which is neutral and non-polar, at codon 53 of the GHSR protein (p.Leu53Pro). This variant is present in population databases (no rsID available, gnomAD 0.009%). This variant has not been reported in the literature in individuals affected with GHSR-related conditions. ClinVar contains an entry for this variant (Variation ID: 2963024). Invitae Evidence Modeling of protein sequence and biophysical properties (such as structural, functional, and spatial information, amino acid conservation, physicochemical variation, residue mobility, and thermodynamic stability) indicates that this missense variant is expected to disrupt GHSR protein function with a positive predictive value of 80%. In summary, the available evidence is currently insufficient to determine the role of this variant in disease. Therefore, it has been classified as a Variant of Uncertain Significance.

NM_198407.2(GHSR):c.158T>C (p.Leu53Pro)

Gene: GHSR (growth hormone secretagogue receptor; minus strand). Cytogenetic location: 3q26.31.
Variant type: single nucleotide variant.
Coding change: c.158T>C on transcript NM_198407.2 (MANE Select); coding-DNA position 158, T replaced by C.
Protein change: p.Leu53Pro; replaces leucine 53 with proline.
Molecular consequence: missense variant.
Genome position (GRCh38, 1-based): chr3:172,448,256, A>G on the plus strand (T>C on the coding strand, the complement: GHSR is on the minus strand). VCF-style: chr3-172448256-A-G. GRCh37 (hg19) VCF-style: chr3-172166046-A-G.
Other names: c.158T>C, p.Leu53Pro (NM_004122.2); short protein forms L53P.
Identifiers: ClinVar variation 2963024 (VCV002963024.3), dbSNP rs1391148253, ClinGen allele CA355516395.
Genomic context (GRCh38, chr3:172,448,256, plus strand): 5'-TCGCGGAAGCGCGACACCACCAGCATGGTGAGCAGGTTGCCAGCGATGCCCACCACGAAG[A>G]GTGCCACGCAGGTGGCTGTGACGCCCGCCAGCAGCGGCGCGGGGAAGAGCTGCAGCAGCT-3'
Protein context (NP_940799.1, residues 43-63): LAGVTATCVA[Leu53Pro]FVVGIAGNLL